The following is an entry in ClinVar:

ClinVar aggregate classification (germline): Conflicting classifications of pathogenicity. Review status: criteria provided, conflicting classifications (1 of 4 stars). 4 submissions from 4 submitters: Likely pathogenic (3); Uncertain significance (1). Last evaluated 2026-06-01.

Conditions:
Alport syndrome. Also called: Hemorrhagic familial nephritis; Hemorrhagic hereditary nephritis; Congenital hereditary hematuria. Identifiers: Orphanet 63, MedGen C1567741, MONDO:0018965.
Inborn genetic diseases. Identifiers: MedGen C0950123, MeSH D030342.
Hematuria, benign familial, 1 (BFH1). Also called: THIN MEMBRANE NEPHROPATHY. Identifiers: MedGen CN376803, MONDO:0007709, OMIM 141200.
Autosomal recessive Alport syndrome (ATS2). Also called: COL4A4 Alport Syndrome and Thin Basement Membrane Nephropathy; Alport syndrome type 2; COL4A3-Related Nephropathy; ALPORT SYNDROME 2, AUTOSOMAL RECESSIVE. Identifiers: Orphanet 63, Orphanet 88919, MedGen C4746745, MONDO:0008762, OMIM 203780.

Submissions (4):

Victorian Clinical Genetics Services, Murdoch Childrens Research Institute
Classification: Likely pathogenic for Alport syndrome. Last evaluated: 2026-06-01. Review status: criteria provided, single submitter. Criteria: ACMG Guidelines, 2015. Collection method: clinical testing. Allele origin: germline. Affected: yes.
Comment: This variant is classified as Likely pathogenic. Evidence in support of pathogenic classification: Variant is absent from gnomAD (v2, v3 and v4); This variant has limited previous evidence of pathogenicity in unrelated individual(s). This variant has been reported as likely pathogenic by a clinical laboratory (ClinVar). This variant has also been reported in the literature in two individuals; one with and one without haematuria (PMID: 34400539); Variant is located in the well-established functional Gly-X-Y motif (DECIPHER); Missense variant predicted to be damaging by in silico tool(s) or highly conserved with a major amino acid change. Additional information: Variant is predicted to result in a missense amino acid change from glycine to glutamic acid; This variant is heterozygous; This gene is associated with both recessive and dominant disease. Alport syndrome typically has biallelic inheritance, although rare cases of monoallelic inheritance have been reported (PMID: 28704582). Thin basement membrane nephropathy (TBMN) and focal segmental glomerulosclerosis (FSGS) are associated with autosomal dominant inheritance (OMIM, PMIDs: 16467446, 17942953); Alternative amino acid change(s) at the same position are present in gnomAD (Highest allele count: v4: 1 heterozygote(s), 0 homozygote(s)); No published segregation evidence has been identified for this variant; No published functional evidence has been identified for this variant; No comparable missense variants have previous evidence for pathogenicity; Loss of function is a known mechanism of disease for this gene and is associated with Alport syndrome. Dominant negative is a suspected mechanism of disease for this gene as it is a structural protein (PMIDs: 12028435, 24046192); Inheritance information for this variant is not currently available in this individual.

Natera, Inc.
Classification: Likely pathogenic for Alport syndrome. Last evaluated: 2025-09-04. Review status: criteria provided, single submitter. Criteria: Natera Variant Classification Schema (03/2026). Collection method: clinical testing. Allele origin: germline.
Comment: The c.1874G>A variant in COL4A4 is a missense variant predicted to cause substitution of glycine to glutamic acid at amino acid 625. This variant is rare in the general population with a frequency below the threshold expected for the associated phenotype(s). This variant is located in a functionally critical region of the protein. Computational prediction algorithms indicate this variant is likely to affect gene or protein function. Given the available evidence, this variant is classified as Likely Pathogenic.

Ambry Genetics
Classification: Uncertain significance for Inborn genetic diseases. Last evaluated: 2025-05-25. Review status: criteria provided, single submitter. Criteria: Ambry Variant Classification Scheme 2023. Collection method: clinical testing. Allele origin: germline.

Fulgent Genetics
Classification: Likely pathogenic for Hematuria, benign familial, 1; Autosomal recessive Alport syndrome. Last evaluated: 2024-04-24. Review status: criteria provided, single submitter. Criteria: ACMG Guidelines, 2015. Collection method: clinical testing. Allele origin: germline.

Literature cited by the submitters: PubMed 28704582 (cited by Victorian Clinical Genetics Services, Murdoch Childrens Research Institute); PubMed 17942953 (cited by Victorian Clinical Genetics Services, Murdoch Childrens Research Institute); PubMed 16467446 (cited by Victorian Clinical Genetics Services, Murdoch Childrens Research Institute); PubMed 24046192 (cited by Victorian Clinical Genetics Services, Murdoch Childrens Research Institute); PubMed 12028435 (cited by Victorian Clinical Genetics Services, Murdoch Childrens Research Institute); PubMed 34400539 (cited by Victorian Clinical Genetics Services, Murdoch Childrens Research Institute).

NM_000092.5(COL4A4):c.1874G>A (p.Gly625Glu)

Gene: COL4A4 (collagen type IV alpha 4 chain; minus strand). Cytogenetic location: 2q36.3.
Variant type: single nucleotide variant.
Coding change: c.1874G>A on transcript NM_000092.5 (MANE Select); coding-DNA position 1874, G replaced by A.
Protein change: p.Gly625Glu; replaces glycine 625 with glutamic acid.
Molecular consequence: missense variant.
Genome position (GRCh38, 1-based): chr2:227,078,007, C>T on the plus strand (G>A on the coding strand, the complement: COL4A4 is on the minus strand). VCF-style: chr2-227078007-C-T. GRCh37 (hg19) VCF-style: chr2-227942723-C-T.
Other names: short protein forms G625E.
Identifiers: ClinVar variation 3585863 (VCV003585863.6).
Genomic context (GRCh38, chr2:227,078,007, plus strand): 5'-CCTGGGTGGCCTCGCTCTCCTGGTGGACCAGGAAATCCCAGTCCTGGGGGCCCCACAGGT[C>T]CTGCTTTGCCTGGGGGGCCCAGAGGTCCAGGAAATCCTTTACCACCTGGGGTCGCATCTT-3'
Protein context (NP_000083.3, residues 615-635): PGPLGPPGKA[Gly625Glu]PVGPPGLGFP